The following is an entry in ClinVar:

ClinVar aggregate classification (germline): Uncertain significance. Review status: criteria provided, multiple submitters, no conflicts (2 of 4 stars). 2 submissions from 2 submitters: Uncertain significance (2). Last evaluated 2025-06-30.

Conditions:
Cardiomyopathy (CMYO). Also called: Cardiomyopathies. Identifiers: Orphanet 167848, MedGen C0878544, MONDO:0004994, HP:0001638. Inheritance: Various modes of inheritance.

Allele frequency attached by ClinVar (database versions not stated): TOPMed below 0.00001.
gnomAD v4.1: 1 of 1,614,158 alleles (0.000062%); no homozygotes.

Submissions (2):

Color Diagnostics, LLC DBA Color Health
Classification: Uncertain significance for Cardiomyopathy. Last evaluated: 2025-06-30. Review status: criteria provided, single submitter. Criteria: ACMG Guidelines, 2015. Collection method: clinical testing. Allele origin: germline.
Comment: This missense variant replaces leucine with arginine at codon 235 of the DSP protein. Computational prediction suggests that this variant may have deleterious impact on protein structure and function. To our knowledge, functional studies have not been reported for this variant. This variant has not been reported in individuals affected with DSP-related disorders in the literature. This variant has not been identified in the general population by the Genome Aggregation Database (gnomAD). The available evidence is insufficient to determine the role of this variant in disease conclusively. Therefore, this variant is classified as a Variant of Uncertain Significance.

AiLife Diagnostics
Classification: Uncertain significance. Last evaluated: 2022-02-22. Review status: criteria provided, single submitter. Criteria: ACMG Guidelines, 2015. Collection method: clinical testing. Allele origin: germline. Affected: yes. Observed: 2 variant alleles.

NM_004415.4(DSP):c.704T>G (p.Leu235Arg)

Gene: DSP (desmoplakin; plus strand). Cytogenetic location: 6p24.3.
Variant type: single nucleotide variant.
Coding change: c.704T>G on transcript NM_004415.4 (MANE Select); coding-DNA position 704, T replaced by G.
Protein change: p.Leu235Arg; replaces leucine 235 with arginine.
Molecular consequence: missense variant.
Genome position (GRCh38, 1-based): chr6:7,562,758, T>G. VCF-style: chr6-7562758-T-G. GRCh37 (hg19) VCF-style: chr6-7562991-T-G.
Other names: c.704T>G, p.Leu235Arg (NM_001008844.3, NM_001319034.2); short protein forms L235R.
Identifiers: ClinVar variation 1677908 (VCV001677908.2), dbSNP rs1758740554, ClinGen allele CA362673590.